The following is an entry in ClinVar:

NM_013275.6(ANKRD11):c.7737C>T (p.Arg2579=)

Gene: ANKRD11 (ankyrin repeat domain 11; minus strand). Cytogenetic location: 16q24.3.
Variant type: single nucleotide variant.
Coding change: c.7737C>T on transcript NM_013275.6 (MANE Select); coding-DNA position 7737, C replaced by T.
Protein change: p.Arg2579=; no amino-acid change (arginine 2579 retained).
Molecular consequence: synonymous variant.
Genome position (GRCh38, 1-based): chr16:89,270,886, G>A on the plus strand (C>T on the coding strand, the complement: ANKRD11 is on the minus strand). VCF-style: chr16-89270886-G-A. GRCh37 (hg19) VCF-style: chr16-89337294-G-A.
Other names: c.7737C>T, p.Arg2579= (NM_001256182.2, NM_001256183.2).
Identifiers: ClinVar variation 3029000 (VCV003029000.4), dbSNP rs575272377, ClinGen allele CA8241022.

ClinVar aggregate classification (germline): Likely benign. Review status: criteria provided, single submitter (1 of 4 stars). 2 submissions from 2 submitters: Likely benign (1). 1 of the submissions does not count toward it. Last evaluated 2024-02-21.

Conditions:
KBG syndrome (KBGS). Also called: ANKRD11-Related KBG Syndrome. Identifiers: Orphanet 2332, MedGen C0220687, MONDO:0007846, OMIM 148050.
ANKRD11-related disorder. Also called: ANKRD11-related condition.

Allele frequency attached by ClinVar (database versions not stated): gnomAD 0.00003; 1000 Genomes Project 30x 0.00016; 1000 Genomes Project 0.00020.
gnomAD v4.1: 28 of 1,613,990 alleles (0.0017%); highest among the groups gnomAD compares: South Asian, 0.0088%; no homozygotes.

Submissions (2):

Labcorp Genetics (formerly Invitae), Labcorp
Classification: Likely benign for KBG syndrome. Last evaluated: 2024-02-21. Review status: criteria provided, single submitter. Criteria: Invitae Variant Classification Sherloc (09022015). Collection method: clinical testing. Allele origin: germline.

PreventionGenetics, part of Exact Sciences
Classification: Likely benign for ANKRD11-related condition. Last evaluated: 2023-07-20. Review status: no assertion criteria provided. Collection method: clinical testing. Allele origin: germline. Not counted in ClinVar's aggregate classification.
Comment: This variant is classified as likely benign based on ACMG/AMP sequence variant interpretation guidelines (Richards et al. 2015 PMID: 25741868, with internal and published modifications).